The following is an entry in ClinVar:

ClinVar aggregate classification (germline): Uncertain significance. Review status: criteria provided, multiple submitters, no conflicts (2 of 4 stars). 3 submissions from 3 submitters: Uncertain significance (3). Last evaluated 2025-11-13.

Conditions:
Familial thoracic aortic aneurysm and aortic dissection (TAAD). Also called: Thoracic aortic aneurysms and dissections. Identifiers: Orphanet 91387, MedGen C4707243, MONDO:0019625.
Shprintzen-Goldberg syndrome (SGS). Also called: SHPRINTZEN-GOLDBERG CRANIOSYNOSTOSIS SYNDROME; CRANIOSYNOSTOSIS WITH ARACHNODACTYLY AND ABDOMINAL HERNIAS; Marfanoid disorder with craniosynostosis type 1; Marfanoid craniosynostosis syndrome; Shprintzen-Goldberg marfanoid syndrome. Identifiers: Orphanet 2462, MedGen C1321551, MONDO:0008426, OMIM 182212.

Allele frequency attached by ClinVar (database versions not stated): gnomAD 0.00001.
gnomAD v4.1: 1 of 1,564,478 alleles (0.000064%); highest among the groups gnomAD compares: African/African-American, 0.0014%; no homozygotes.

Submissions (3):

Ambry Genetics
Classification: Uncertain significance for Familial thoracic aortic aneurysm and aortic dissection. Last evaluated: 2025-11-13. Review status: criteria provided, single submitter. Criteria: Ambry Variant Classification Scheme 2023. Collection method: clinical testing. Allele origin: germline.

Labcorp Genetics (formerly Invitae), Labcorp
Classification: Uncertain significance for Shprintzen-Goldberg syndrome. Last evaluated: 2022-07-12. Review status: criteria provided, single submitter. Criteria: Invitae Variant Classification Sherloc (09022015). Collection method: clinical testing. Allele origin: germline.
Comment: This sequence change replaces isoleucine, which is neutral and non-polar, with valine, which is neutral and non-polar, at codon 79 of the SKI protein (p.Ile79Val). This variant is not present in population databases (gnomAD no frequency). This variant has not been reported in the literature in individuals affected with SKI-related conditions. ClinVar contains an entry for this variant (Variation ID: 1189837). Advanced modeling of protein sequence and biophysical properties (such as structural, functional, and spatial information, amino acid conservation, physicochemical variation, residue mobility, and thermodynamic stability) performed at Invitae indicates that this missense variant is not expected to disrupt SKI protein function. In summary, the available evidence is currently insufficient to determine the role of this variant in disease. Therefore, it has been classified as a Variant of Uncertain Significance.

GeneDx
Classification: Uncertain significance. Last evaluated: 2020-03-12. Review status: criteria provided, single submitter. Criteria: GeneDx Variant Classification Process June 2021. Collection method: clinical testing. Allele origin: germline. Affected: yes.
Comment: Not observed in large population cohorts (Lek et al., 2016); In silico analysis supports that this missense variant does not alter protein structure/function; Has not been previously published as pathogenic or benign to our knowledge

NM_003036.4(SKI):c.235A>G (p.Ile79Val)

Gene: SKI (SKI proto-oncogene; plus strand). Cytogenetic location: 1p36.33.
Variant type: single nucleotide variant.
Coding change: c.235A>G on transcript NM_003036.4 (MANE Select); coding-DNA position 235, A replaced by G.
Protein change: p.Ile79Val; replaces isoleucine 79 with valine.
Molecular consequence: missense variant.
Genome position (GRCh38, 1-based): chr1:2,229,001, A>G. VCF-style: chr1-2229001-A-G. GRCh37 (hg19) VCF-style: chr1-2160440-A-G.
Other names: short protein forms I79V.
Identifiers: ClinVar variation 1189837 (VCV001189837.11), dbSNP rs1638568678, ClinGen allele CA337952366.